The following is an entry in ClinVar:

ClinVar aggregate classification (germline): Uncertain significance (1 of 4 stars; one submission).

Conditions:
Hereditary cancer-predisposing syndrome. Also called: Hereditary Cancer Syndrome; Hereditary neoplastic syndrome; Tumor predisposition; Neoplastic Syndromes, Hereditary. Identifiers: Orphanet 140162, MedGen C0027672, MeSH D009386, MONDO:0015356.

Submission:

Ambry Genetics
Classification: Uncertain significance for Hereditary cancer-predisposing syndrome. Last evaluated: 2022-01-04. Review status: criteria provided, single submitter. Criteria: Ambry Variant Classification Scheme 2023. Collection method: clinical testing. Allele origin: germline.
Comment: The p.T817S variant (also known as c.2450C>G), located in coding exon 5 of the PALB2 gene, results from a C to G substitution at nucleotide position 2450. The threonine at codon 817 is replaced by serine, an amino acid with similar properties. This amino acid position is well conserved in available vertebrate species. In addition, this alteration is predicted to be tolerated by in silico analysis. Since supporting evidence is limited at this time, the clinical significance of this alteration remains unclear.

NM_024675.4(PALB2):c.2450C>G (p.Thr817Ser)

Gene: PALB2 (partner and localizer of BRCA2; minus strand). Cytogenetic location: 16p12.2.
Variant type: single nucleotide variant.
Coding change: c.2450C>G on transcript NM_024675.4 (MANE Select); coding-DNA position 2450, C replaced by G.
Protein change: p.Thr817Ser; replaces threonine 817 with serine.
Molecular consequence: missense variant.
Genome position (GRCh38, 1-based): chr16:23,629,704, G>C on the plus strand (C>G on the coding strand, the complement: PALB2 is on the minus strand). VCF-style: chr16-23629704-G-C. GRCh37 (hg19) VCF-style: chr16-23641025-G-C.
Other names: c.2390C>G, p.Thr797Ser (NM_001407296.1); c.2450C>G, p.Thr817Ser (NM_001407297.1, NM_001407298.1, NM_001407299.1 and 3 more transcripts); c.1565C>G, p.Thr522Ser (NM_001407304.1, NM_001407305.1, NM_001407306.1 and 5 more transcripts); c.662C>G, p.Thr221Ser (NM_001407312.1, NM_001407313.1); short protein forms T817S, T221S, T797S, T522S.
Identifiers: ClinVar variation 1791479 (VCV001791479.2), dbSNP rs2142372754, ClinGen allele CA395124166.